The following is an entry in ClinVar:

NM_018489.3(ASH1L):c.8809G>A (p.Asp2937Asn)

Gene: ASH1L (ASH1 like histone lysine methyltransferase; minus strand). Cytogenetic location: 1q22.
Variant type: single nucleotide variant.
Coding change: c.8809G>A on transcript NM_018489.3 (MANE Select); coding-DNA position 8809, G replaced by A.
Protein change: p.Asp2937Asn; replaces aspartic acid 2937 with asparagine.
Molecular consequence: missense variant.
Genome position (GRCh38, 1-based): chr1:155,337,746, C>T on the plus strand (G>A on the coding strand, the complement: ASH1L is on the minus strand). VCF-style: chr1-155337746-C-T. GRCh37 (hg19) VCF-style: chr1-155307537-C-T.
Other names: c.8824G>A, p.Asp2942Asn (NM_001366177.2); short protein forms D2937N, D2942N.
Identifiers: ClinVar variation 1315851 (VCV001315851.2), dbSNP rs2148303474, ClinGen allele CA342716759.

ClinVar aggregate classification (germline): Uncertain significance (1 of 4 stars; one submission).

Submission:

GeneDx
Classification: Uncertain significance. Last evaluated: 2020-02-10. Review status: criteria provided, single submitter. Criteria: GeneDx Variant Classification Process June 2021. Collection method: clinical testing. Allele origin: germline. Affected: yes.
Comment: Not observed in large population cohorts (Lek et al., 2016); In silico analysis supports that this missense variant has a deleterious effect on protein structure/function; Has not been previously published as pathogenic or benign to our knowledge